The following is an entry in ClinVar:

ClinVar aggregate classification (germline): Likely benign. Review status: criteria provided, single submitter (1 of 4 stars). 2 submissions from 2 submitters: Likely benign (1). 1 of the submissions does not count toward it. Last evaluated 2025-02-16.

Conditions:
PLXNA2-related disorder. Also called: PLXNA2-related condition.

gnomAD v4.1: 86 of 1,613,388 alleles (0.0053%); highest among the groups gnomAD compares: South Asian, 0.019%; no homozygotes.

Submissions (2):

Labcorp Genetics (formerly Invitae), Labcorp
Classification: Likely benign. Last evaluated: 2025-02-16. Review status: criteria provided, single submitter. Criteria: Invitae Variant Classification Sherloc (09022015). Collection method: clinical testing. Allele origin: germline.

PreventionGenetics, part of Exact Sciences
Classification: Likely benign for PLXNA2-related condition. Last evaluated: 2021-09-09. Review status: no assertion criteria provided. Collection method: clinical testing. Allele origin: germline. Not counted in ClinVar's aggregate classification.
Comment: This variant is classified as likely benign based on ACMG/AMP sequence variant interpretation guidelines (Richards et al. 2015 PMID: 25741868, with internal and published modifications).

NM_025179.4(PLXNA2):c.4029C>T (p.Asn1343=)

Gene: PLXNA2 (plexin A2; minus strand). Cytogenetic location: 1q32.2.
Variant type: single nucleotide variant.
Coding change: c.4029C>T on transcript NM_025179.4 (MANE Select); coding-DNA position 4029, C replaced by T.
Protein change: p.Asn1343=; no amino-acid change (asparagine 1343 retained).
Molecular consequence: synonymous variant.
Genome position (GRCh38, 1-based): chr1:208,042,355, G>A on the plus strand (C>T on the coding strand, the complement: PLXNA2 is on the minus strand). VCF-style: chr1-208042355-G-A. GRCh37 (hg19) VCF-style: chr1-208215700-G-A.
Identifiers: ClinVar variation 3351865 (VCV003351865.2).
Genomic context (GRCh38, chr1:208,042,355, plus strand): 5'-CACCTTGTTGTTGATGAGCTGGGCAAAGAGCTTCAGGGCCTTCTCCACGTGCTGCTGCCC[G>A]TTTCCTTGTACCTGGGGTGGGGTGTGGTGGAGGCGACGCCCTCAGAGGACAGGCATCGGG-3'
Protein context (NP_079455.3, residues 1333-1353): PVLRELEVQG[Asn1343=]GQQHVEKALK